The following is an entry in ClinVar:

NM_001080466.2(BTBD17):c.495C>T (p.Gly165=)

Gene: BTBD17 (BTB domain containing 17; minus strand). Cytogenetic location: 17q25.1.
Variant type: single nucleotide variant.
Coding change: c.495C>T on transcript NM_001080466.2 (MANE Select); coding-DNA position 495, C replaced by T.
Protein change: p.Gly165=; no amino-acid change (glycine 165 retained).
Molecular consequence: synonymous variant.
Genome position (GRCh38, 1-based): chr17:74,357,599, G>A on the plus strand (C>T on the coding strand, the complement: BTBD17 is on the minus strand). VCF-style: chr17-74357599-G-A. GRCh37 (hg19) VCF-style: chr17-72353738-G-A.
Identifiers: ClinVar variation 4873984 (VCV004873984.2).
Genomic context (GRCh38, chr17:74,357,599, plus strand): 5'-GCGCAGGGCCTCGTCCCCGGTGCCCACCGCGTAGTGGTACCAGCCCACCGCCGGGCCCGC[G>A]CCTCCCGCCAGGTGCGCGCGCATGTAGTCGGCCACGCCGCGCTGCAGGGAGGACACGCCG-3'
Protein context (NP_001073935.1, residues 155-175): ADYMRAHLAG[Gly165=]AGPAVGWYHY

ClinVar aggregate classification (germline): Likely benign (1 of 4 stars; one submission).

Submission:

CeGaT Center for Human Genetics Tuebingen
Classification: Likely benign. Last evaluated: 2026-05-01. Review status: criteria provided, single submitter. Criteria: CeGaT Center For Human Genetics Tuebingen Variant Classification Criteria Version 2. Collection method: clinical testing. Allele origin: germline. Affected: yes. Observed: 1 variant allele.
Comment: BTBD17: BP4, BP7